The following is an entry in ClinVar:

NM_000789.4(ACE):c.2538G>A (p.Gln846=)

Gene: ACE (angiotensin I converting enzyme; plus strand). Cytogenetic location: 17q23.3.
Variant type: single nucleotide variant.
Coding change: c.2538G>A on transcript NM_000789.4 (MANE Select); coding-DNA position 2538, G replaced by A.
Protein change: p.Gln846=; no amino-acid change (glutamine 846 retained).
Molecular consequence: synonymous variant. On other transcripts: non-coding transcript variant (1), intron variant (1).
Genome position (GRCh38, 1-based): chr17:63,489,029, G>A. VCF-style: chr17-63489029-G-A. GRCh37 (hg19) VCF-style: chr17-61566390-G-A.
Other names: c.816G>A, p.Gln272= (NM_001178057.2, NM_152830.3); c.1971G>A, p.Gln657= (NM_001382700.1); c.1686G>A, p.Gln562= (NM_001382701.1); c.379+238G>A (NM_001382702.1).
Identifiers: ClinVar variation 3031425 (VCV003031425.2), dbSNP rs990108624, ClinGen allele CA292883907.

ClinVar aggregate classification (germline): Likely benign (0 of 4 stars; one submission).

Conditions:
ACE-related disorder. Also called: ACE-related condition; ACE-related disorders.

Submission:

PreventionGenetics, part of Exact Sciences
Classification: Likely benign for ACE-related condition. Last evaluated: 2020-11-24. Review status: no assertion criteria provided. Collection method: clinical testing. Allele origin: germline.
Comment: This variant is classified as likely benign based on ACMG/AMP sequence variant interpretation guidelines (Richards et al. 2015 PMID: 25741868, with internal and published modifications).